The following is an entry in ClinVar:

ClinVar aggregate classification (germline): Conflicting classifications of pathogenicity. Review status: criteria provided, conflicting classifications (1 of 4 stars). 4 submissions from 4 submitters: Uncertain significance (3); Likely benign (1). Last evaluated 2026-02-02.

Conditions:
Cardiovascular phenotype. Identifiers: MedGen CN230736.
Dilated cardiomyopathy 1AA (CMD1AA). Also called: Cardiomyopathy, dilated, 1AA, with or without LVNC; CARDIOMYOPATHY, DILATED, 1AA, WITH OR WITHOUT LEFT VENTRICULAR NONCOMPACTION; CARDIOMYOPATHY, FAMILIAL HYPERTROPHIC, 23, WITH OR WITHOUT LEFT VENTRICULAR NONCOMPACTION. Identifiers: Orphanet 154, MedGen C2677338, MONDO:0012808, OMIM 612158.
Primary familial hypertrophic cardiomyopathy (HCM). Identifiers: Orphanet 99739, MedGen C0949658, MeSH D024741, MONDO:0024573. Inheritance: Various modes of inheritance.
Cardiomyopathy (CMYO). Also called: Cardiomyopathies. Identifiers: Orphanet 167848, MedGen C0878544, MONDO:0004994, HP:0001638. Inheritance: Various modes of inheritance.

Allele frequency attached by ClinVar (database versions not stated): gnomAD exomes 0.00003 and 0.00001; ExAC 0.00005; gnomAD 0.00007; ESP Exome Variant Server 0.00008; TOPMed 0.00014.
gnomAD v4.1: 22 of 1,613,976 alleles (0.0014%); highest among the groups gnomAD compares: African/African-American, 0.028%; no homozygotes.

Submissions (4):

Labcorp Genetics (formerly Invitae), Labcorp
Classification: Likely benign for Primary familial hypertrophic cardiomyopathy; Dilated cardiomyopathy 1AA. Last evaluated: 2026-02-02. Review status: criteria provided, single submitter. Criteria: Invitae Variant Classification Sherloc (09022015). Collection method: clinical testing. Allele origin: germline.

Ambry Genetics
Classification: Uncertain significance for Cardiovascular phenotype. Last evaluated: 2023-07-13. Review status: criteria provided, single submitter. Criteria: Ambry Variant Classification Scheme 2023. Collection method: clinical testing. Allele origin: germline.
Comment: The p.P309L variant (also known as c.926C>T), located in coding exon 10 of the ACTN2 gene, results from a C to T substitution at nucleotide position 926. The proline at codon 309 is replaced by leucine, an amino acid with similar properties. This amino acid position is well conserved in available vertebrate species. In addition, this alteration is predicted to be tolerated by in silico analysis. Since supporting evidence is limited at this time, the clinical significance of this alteration remains unclear.

CHEO Genetics Diagnostic Laboratory, Children's Hospital of Eastern Ontario
Classification: Uncertain significance for Cardiomyopathy. Last evaluated: 2023-05-01. Review status: criteria provided, single submitter. Criteria: ACMG Guidelines, 2015. Collection method: clinical testing. Allele origin: germline.

GeneDx
Classification: Uncertain significance. Last evaluated: 2021-11-05. Review status: criteria provided, single submitter. Criteria: GeneDx Variant Classification Process June 2021. Collection method: clinical testing. Allele origin: germline. Affected: yes.
Comment: Has not been previously published as pathogenic or benign to our knowledge; In silico analysis supports that this missense variant has a deleterious effect on protein structure/function; Reported in ClinVar as a variant of uncertain significance (ClinVar Variant ID# 201636; Landrum et al., 2016)

NM_001103.4(ACTN2):c.926C>T (p.Pro309Leu)

Gene: ACTN2 (actinin alpha 2; plus strand). Cytogenetic location: 1q43.
Variant type: single nucleotide variant.
Coding change: c.926C>T on transcript NM_001103.4 (MANE Select); coding-DNA position 926, C replaced by T.
Protein change: p.Pro309Leu; replaces proline 309 with leucine.
Molecular consequence: missense variant.
Genome position (GRCh38, 1-based): chr1:236,739,351, C>T. VCF-style: chr1-236739351-C-T. GRCh37 (hg19) VCF-style: chr1-236902651-C-T.
Other names: p.P309L:CCC>CTC; c.926C>T, p.Pro309Leu (NM_001278343.2); c.302C>T, p.Pro101Leu (NM_001278344.2); short protein forms P309L, P101L.
Identifiers: ClinVar variation 201636 (VCV000201636.18), dbSNP rs146568303, ClinGen allele CA335021.
Genomic context (GRCh38, chr1:236,739,351, plus strand): 5'-TTGCGGAGCAGCTTTTGGAATGGATTCGTCGCACGATCCCCTGGCTGGAGAACCGGACTC[C>T]CGAGAAGACCATGCAAGCCATGCAGAAGAAGCTGGAGGACTTCCGGGATTACCGCCGGAA-3'
Protein context (NP_001094.1, residues 299-319): RTIPWLENRT[Pro309Leu]EKTMQAMQKK